The following is an entry in ClinVar:

ClinVar aggregate classification (germline): Uncertain significance. Review status: criteria provided, multiple submitters, no conflicts (2 of 4 stars). 2 submissions from 2 submitters: Uncertain significance (2). Last evaluated 2025-01-30.

Conditions:
Hereditary cancer-predisposing syndrome. Also called: Hereditary Cancer Syndrome; Hereditary neoplastic syndrome; Tumor predisposition; Neoplastic Syndromes, Hereditary. Identifiers: Orphanet 140162, MedGen C0027672, MeSH D009386, MONDO:0015356.
Cardiovascular phenotype. Identifiers: MedGen CN230736.

Submissions (2):

Labcorp Genetics (formerly Invitae), Labcorp
Classification: Uncertain significance. Last evaluated: 2025-01-30. Review status: criteria provided, single submitter. Criteria: Invitae Variant Classification Sherloc (09022015). Collection method: clinical testing. Allele origin: germline.
Comment: This sequence change replaces methionine, which is neutral and non-polar, with arginine, which is basic and polar, at codon 614 of the LZTR1 protein (p.Met614Arg). This variant is not present in population databases (gnomAD no frequency). This variant has not been reported in the literature in individuals affected with LZTR1-related conditions. ClinVar contains an entry for this variant (Variation ID: 3541696). Invitae Evidence Modeling of protein sequence and biophysical properties (such as structural, functional, and spatial information, amino acid conservation, physicochemical variation, residue mobility, and thermodynamic stability) indicates that this missense variant is not expected to disrupt LZTR1 protein function with a negative predictive value of 80%. In summary, the available evidence is currently insufficient to determine the role of this variant in disease. Therefore, it has been classified as a Variant of Uncertain Significance.

Ambry Genetics
Classification: Uncertain significance for Cardiovascular phenotype; Hereditary cancer-predisposing syndrome. Last evaluated: 2024-11-11. Review status: criteria provided, single submitter. Criteria: Ambry Variant Classification Scheme 2023. Collection method: clinical testing. Allele origin: germline.
Comment: The p.M614R variant (also known as c.1841T>G), located in coding exon 16 of the LZTR1 gene, results from a T to G substitution at nucleotide position 1841. The methionine at codon 614 is replaced by arginine, an amino acid with similar properties. This amino acid position is conserved. In addition, this alteration is predicted to be tolerated by in silico analysis. Based on the available evidence, the clinical significance of this variant remains unclear.

NM_006767.4(LZTR1):c.1841T>G (p.Met614Arg)

Gene: LZTR1 (leucine zipper like post translational regulator 1; plus strand). Cytogenetic location: 22q11.21.
Variant type: single nucleotide variant.
Coding change: c.1841T>G on transcript NM_006767.4 (MANE Select); coding-DNA position 1841, T replaced by G.
Protein change: p.Met614Arg; replaces methionine 614 with arginine.
Molecular consequence: missense variant.
Genome position (GRCh38, 1-based): chr22:20,994,925, T>G. VCF-style: chr22-20994925-T-G. GRCh37 (hg19) VCF-style: chr22-21349214-T-G.
Other names: short protein forms M614R.
Identifiers: ClinVar variation 3541696 (VCV003541696.3).